The following is an entry in ClinVar:

NM_005732.4(RAD50):c.2122G>C (p.Ala708Pro)

Gene: RAD50 (RAD50 double strand break repair protein; plus strand). Cytogenetic location: 5q31.1.
Variant type: single nucleotide variant.
Coding change: c.2122G>C on transcript NM_005732.4 (MANE Select); coding-DNA position 2122, G replaced by C.
Protein change: p.Ala708Pro; replaces alanine 708 with proline.
Molecular consequence: missense variant.
Genome position (GRCh38, 1-based): chr5:132,595,725, G>C. VCF-style: chr5-132595725-G-C. GRCh37 (hg19) VCF-style: chr5-131931417-G-C.
Other names: short protein forms A708P.
Identifiers: ClinVar variation 484673 (VCV000484673.5), dbSNP rs1554098695, ClinGen allele CA360950232.
Genomic context (GRCh38, chr5:132,595,725, plus strand): 5'-TTTCAGACAGAGGCTGAGTTACAAGAAGTCATCAGTGATTTGCAGTCTAAACTGCGACTT[G>C]CTCCAGATAAACTCAAGTCAACAGAATCAGAGCTAAAAAAAAAGGAAAAGCGGCGTGATG-3'
Protein context (NP_005723.2, residues 698-718): ISDLQSKLRL[Ala708Pro]PDKLKSTESE

ClinVar aggregate classification (germline): Uncertain significance (1 of 4 stars; one submission).

Conditions:
Hereditary cancer-predisposing syndrome. Also called: Neoplastic Syndromes, Hereditary; Tumor predisposition; Hereditary Cancer Syndrome; Hereditary neoplastic syndrome. Identifiers: Orphanet 140162, MedGen C0027672, MeSH D009386, MONDO:0015356.

Submission:

Ambry Genetics
Classification: Uncertain significance for Hereditary cancer-predisposing syndrome. Last evaluated: 2019-01-28. Review status: criteria provided, single submitter. Criteria: Ambry Variant Classification Scheme 2023. Collection method: clinical testing. Allele origin: germline.
Comment: The p.A708P variant (also known as c.2122G>C), located in coding exon 13 of the RAD50 gene, results from a G to C substitution at nucleotide position 2122. The alanine at codon 708 is replaced by proline, an amino acid with highly similar properties. This amino acid position is highly conserved through mammals but not in all available vertebrate species. In addition, this alteration is predicted to be tolerated by in silico analysis. Since supporting evidence is limited at this time, the clinical significance of this alteration remains unclear.